The following is an entry in ClinVar:

ClinVar aggregate classification (germline): Benign/Likely benign. Review status: criteria provided, multiple submitters, no conflicts (2 of 4 stars). 3 submissions from 3 submitters: Benign (1); Likely benign (2). Last evaluated 2025-11-09.

Conditions:
Hereditary cancer-predisposing syndrome. Also called: Tumor predisposition; Hereditary neoplastic syndrome; Neoplastic Syndromes, Hereditary; Hereditary Cancer Syndrome. Identifiers: Orphanet 140162, MedGen C0027672, MeSH D009386, MONDO:0015356.
Prostate cancer, hereditary, 9 (HPC9). Identifiers: Orphanet 1331, MedGen C1970250, MONDO:0012597, OMIM 610997.

Allele frequency attached by ClinVar (database versions not stated): gnomAD exomes below 0.00001; gnomAD 0.00002; TOPMed 0.00002.
gnomAD v4.1: 7 of 1,613,290 alleles (0.00043%); highest among the groups gnomAD compares: African/African-American, 0.0067%; no homozygotes.

Submissions (3):

Labcorp Genetics (formerly Invitae), Labcorp
Classification: Likely benign. Last evaluated: 2025-11-09. Review status: criteria provided, single submitter. Criteria: Invitae Variant Classification Sherloc (09022015). Collection method: clinical testing. Allele origin: germline.

Myriad Genetics, Inc.
Classification: Benign for Prostate cancer, hereditary, 9. Last evaluated: 2024-10-28. Review status: criteria provided, single submitter. Criteria: Myriad Autosomal Dominant, Autosomal Recessive and X-Linked Classification Criteria (2023). Collection method: clinical testing. Allele origin: unknown.
Comment: This variant is considered benign. This variant is a silent/synonymous amino acid change and it is not expected to impact splicing.

Ambry Genetics
Classification: Likely benign for Hereditary cancer-predisposing syndrome. Last evaluated: 2019-12-04. Review status: criteria provided, single submitter. Criteria: Ambry Variant Classification Scheme 2023. Collection method: clinical testing. Allele origin: germline.

NM_006361.6(HOXB13):c.105C>T (p.Ser35=)

Gene: HOXB13 (homeobox B13; minus strand). Cytogenetic location: 17q21.32.
Variant type: single nucleotide variant.
Coding change: c.105C>T on transcript NM_006361.6 (MANE Select); coding-DNA position 105, C replaced by T.
Protein change: p.Ser35=; no amino-acid change (serine 35 retained).
Molecular consequence: synonymous variant.
Genome position (GRCh38, 1-based): chr17:48,728,489, G>A on the plus strand (C>T on the coding strand, the complement: HOXB13 is on the minus strand). VCF-style: chr17-48728489-G-A. GRCh37 (hg19) VCF-style: chr17-46805851-G-A.
Identifiers: ClinVar variation 818314 (VCV000818314.14), dbSNP rs1175466694, ClinGen allele CA500502905.